The following is an entry in ClinVar:

ClinVar aggregate classification (germline): Conflicting classifications of pathogenicity. Review status: criteria provided, conflicting classifications (1 of 4 stars). 4 submissions from 4 submitters: Uncertain significance (1); Benign (1); Likely benign (2). Last evaluated 2025-06-04.

Conditions:
Tuberous sclerosis syndrome (TSC). Also called: Tuberous Sclerosis Complex; Tuberous sclerosis. Identifiers: Orphanet 805, MedGen C0041341, MONDO:0001734.
Hereditary cancer-predisposing syndrome. Also called: Hereditary Cancer Syndrome; Hereditary neoplastic syndrome; Neoplastic Syndromes, Hereditary; Tumor predisposition. Identifiers: Orphanet 140162, MedGen C0027672, MeSH D009386, MONDO:0015356.
Tuberous sclerosis 2 (TSC2). Identifiers: Orphanet 805, MedGen C1860707, MONDO:0013199, OMIM 613254.

Allele frequency attached by ClinVar (database versions not stated): gnomAD exomes below 0.00001.
gnomAD v4.1: 2 of 1,612,904 alleles (0.00012%); highest among the groups gnomAD compares: Non-Finnish European, 0.00017%; no homozygotes.

Submissions (4):

Myriad Genetics, Inc.
Classification: Benign for Tuberous sclerosis 2. Last evaluated: 2025-06-04. Review status: criteria provided, single submitter. Criteria: Myriad Autosomal Dominant, Autosomal Recessive and X-Linked Classification Criteria (2023). Collection method: clinical testing. Allele origin: unknown.
Comment: This variant is considered benign. This variant is a silent/synonymous amino acid change and it is not expected to impact splicing.

Labcorp Genetics (formerly Invitae), Labcorp
Classification: Likely benign for Tuberous sclerosis 2. Last evaluated: 2024-04-17. Review status: criteria provided, single submitter. Criteria: Invitae Variant Classification Sherloc (09022015). Collection method: clinical testing. Allele origin: germline.

All of Us Research Program, National Institutes of Health
Classification: Uncertain significance for Tuberous sclerosis syndrome. Last evaluated: 2023-04-03. Review status: criteria provided, single submitter. Criteria: ACMG Guidelines, 2015. Collection method: clinical testing. Allele origin: germline. Inheritance: Autosomal dominant inheritance. Observed: 1 variant allele, 1 heterozygote.
Comment: This variant is located in the TSC2 protein. To our knowledge, functional studies have not been reported for this variant. This variant has not been reported in individuals affected with TSC2-related disorders in the literature. This variant has been identified in 1/249926 chromosomes in the general population by the Genome Aggregation Database (gnomAD). The available evidence is insufficient to determine the role of this variant in disease conclusively. Therefore, this variant is classified as a Variant of Uncertain Significance.

This study involves interpretation of variants in research participants for the purpose of population health screening. Participant phenotype was not available at the time of variant classification. Additional details can be found in publication PMID: 35346344, PMCID: PMC8962531

Ambry Genetics
Classification: Likely benign for Hereditary cancer-predisposing syndrome. Last evaluated: 2020-03-04. Review status: criteria provided, single submitter. Criteria: Ambry Variant Classification Scheme 2023. Collection method: clinical testing. Allele origin: germline.

NM_000548.5(TSC2):c.4749G>A (p.Glu1583=)

Gene: TSC2 (TSC complex subunit 2; plus strand). Cytogenetic location: 16p13.3.
Variant type: single nucleotide variant.
Coding change: c.4749G>A on transcript NM_000548.5 (MANE Select); coding-DNA position 4749, G replaced by A.
Protein change: p.Glu1583=; no amino-acid change (glutamic acid 1583 retained).
Molecular consequence: synonymous variant.
Genome position (GRCh38, 1-based): chr16:2,086,279, G>A. VCF-style: chr16-2086279-G-A. GRCh37 (hg19) VCF-style: chr16-2136280-G-A.
Other names: c.4548G>A, p.Glu1516= (NM_001077183.3); c.4680G>A, p.Glu1560= (NM_001114382.3); c.4440G>A, p.Glu1480= (NM_001318827.2); c.4404G>A, p.Glu1468= (NM_001318829.2); c.4017G>A, p.Glu1339= (NM_001318831.2); c.4581G>A, p.Glu1527= (NM_001318832.2); c.4551G>A, p.Glu1517= (NM_001363528.2); c.4617G>A, p.Glu1539= (NM_001370404.1); and 1 more.
Identifiers: ClinVar variation 1151329 (VCV001151329.13), dbSNP rs1257270850, ClinGen allele CA493043545.
Genomic context (GRCh38, chr16:2,086,279, plus strand): 5'-CAATGAGCATGGCTCCTACAGGTACACGGAGTTCCTGACGGGCCTGGGCCGGCTCATCGA[G>A]CTGAAGGACTGCCAGCCGGACAAGGTGTACCTGGGAGGCCTGGACGTGTGTGGTGAGGAC-3'
Protein context (NP_000539.2, residues 1573-1593): EFLTGLGRLI[Glu1583=]LKDCQPDKVY